The following is an entry in ClinVar:

NM_002184.4(IL6ST):c.1841-7_1841-4del

Gene: IL6ST (interleukin 6 cytokine family signal transducer; minus strand). Cytogenetic location: 5q11.2.
Variant type: Deletion.
Coding change: c.1841-7_1841-4del on transcript NM_002184.4 (MANE Select); 7 bases into the intron before coding-DNA position 1841 through 4 bases into the intron before coding-DNA position 1841, 4 bases deleted (TTTT; older notation c.1841-7_1841-4delTTTT).
Molecular consequence: intron variant.
Genome position (GRCh38, 1-based): chr5:55,947,593-55,947,596, AAAA deleted on the plus strand (TTTT on the coding strand, the reverse complement: IL6ST is on the minus strand); deleting any 4 consecutive bases within chr5:55,947,593-55,947,617 gives the same sequence; the c. name uses the placement nearest the transcript's 3' end. VCF-style (leftmost placement, unchanged base first): chr5-55947592-TAAAA-T. GRCh37 (hg19) VCF-style: chr5-55243420-TAAAA-T.
Other names: c.1631-7_1631-4del (NM_001364276.2); c.845-7_845-4del (NM_001364279.2); c.938-7_938-4del (NM_001364278.2); c.974-7_974-4del (NM_001364277.2); c.*768-7_*768-4del (NM_175767.3); c.1658-7_1658-4del (NM_001190981.2); c.1739-7_1739-4del (NM_001364275.2).
Identifiers: ClinVar variation 4871917 (VCV004871917.3).

ClinVar aggregate classification (germline): Likely benign. Review status: criteria provided, multiple submitters, no conflicts (2 of 4 stars). 2 submissions from 2 submitters: Likely benign (2). Last evaluated 2026-07-01.

Submissions (2):

CeGaT Center for Human Genetics Tuebingen
Classification: Likely benign. Last evaluated: 2026-07-01. Review status: criteria provided, single submitter. Criteria: CeGaT Center For Human Genetics Tuebingen Variant Classification Criteria Version 2. Collection method: clinical testing. Allele origin: germline. Affected: yes. Observed: 4 variant alleles.
Comment: IL6ST: BP4

Blueprint Genetics
Classification: Likely benign. Last evaluated: 2024-11-07. Review status: criteria provided, single submitter. Criteria: ACMG Guidelines, 2015. Collection method: clinical testing. Allele origin: germline.